The following is an entry in ClinVar:

ClinVar aggregate classification (germline): Uncertain significance (1 of 4 stars; one submission).

Conditions:
Dilated cardiomyopathy 1JJ (CMD1JJ). Identifiers: Orphanet 154, MedGen C3808935, MONDO:0014095, OMIM 615235.

Submission:

Labcorp Genetics (formerly Invitae), Labcorp
Classification: Uncertain significance for Dilated cardiomyopathy 1JJ. Last evaluated: 2023-01-14. Review status: criteria provided, single submitter. Criteria: Invitae Variant Classification Sherloc (09022015). Collection method: clinical testing. Allele origin: germline.
Comment: In summary, the available evidence is currently insufficient to determine the role of this variant in disease. Therefore, it has been classified as a Variant of Uncertain Significance. Algorithms developed to predict the effect of missense changes on protein structure and function (SIFT, PolyPhen-2, Align-GVGD) all suggest that this variant is likely to be disruptive. This variant has not been reported in the literature in individuals affected with LAMA4-related conditions. This variant is not present in population databases (gnomAD no frequency). This sequence change replaces serine, which is neutral and polar, with cysteine, which is neutral and slightly polar, at codon 914 of the LAMA4 protein (p.Ser914Cys).

NM_001105206.3(LAMA4):c.2762C>G (p.Ser921Cys)

Genes: LAMA4 (laminin subunit alpha 4; minus strand), LOC126859766 (MED14-independent group 3 enhancer GRCh37_chr6:112462018-112463217; plus strand). Cytogenetic location: 6q21.
Variant type: single nucleotide variant.
Coding change: c.2762C>G on transcript NM_001105206.3 (MANE Select); coding-DNA position 2762, C replaced by G.
Protein change: p.Ser921Cys; replaces serine 921 with cysteine.
Molecular consequence: missense variant.
Genome position (GRCh38, 1-based): chr6:112,141,409, G>C on the plus strand (C>G on the coding strand, the complement: LAMA4 is on the minus strand). VCF-style: chr6-112141409-G-C. GRCh37 (hg19) VCF-style: chr6-112462611-G-C.
Other names: c.2741C>G, p.Ser914Cys (NM_001105207.3, NM_002290.5); short protein forms S914C, S921C.
Identifiers: ClinVar variation 2805389 (VCV002805389.3), dbSNP rs782424587, ClinGen allele CA365380169.